The following is an entry in ClinVar:

ClinVar aggregate classification (germline): Uncertain significance (1 of 4 stars; one submission).

Conditions:
Congenital myotonia, autosomal recessive form. Also called: Becker Generalized Myotonia; BECKER DISEASE; myotonia congenita, autosomal recessive. Identifiers: Orphanet 614, MedGen C0751360, MONDO:0009715, OMIM 255700.
Congenital myotonia, autosomal dominant form (THD). Also called: THOMSEN DISEASE; Myotonia congenita autosomal dominant. Identifiers: Orphanet 614, MedGen C2936781, MONDO:0008055, OMIM 160800.

Allele frequency attached by ClinVar (database versions not stated): gnomAD 0.00001; gnomAD exomes 0.00001; TOPMed 0.00002.
gnomAD v4.1: 9 of 1,613,834 alleles (0.00056%); highest among the groups gnomAD compares: African/African-American, 0.0027%; no homozygotes.

Submission:

Labcorp Genetics (formerly Invitae), Labcorp
Classification: Uncertain significance for Congenital myotonia, autosomal recessive form; Congenital myotonia, autosomal dominant form. Last evaluated: 2022-06-27. Review status: criteria provided, single submitter. Criteria: Invitae Variant Classification Sherloc (09022015). Collection method: clinical testing. Allele origin: germline.
Comment: Algorithms developed to predict the effect of sequence changes on RNA splicing suggest that this variant may disrupt the consensus splice site. In summary, the available evidence is currently insufficient to determine the role of this variant in disease. Therefore, it has been classified as a Variant of Uncertain Significance. Advanced modeling of protein sequence and biophysical properties (such as structural, functional, and spatial information, amino acid conservation, physicochemical variation, residue mobility, and thermodynamic stability) performed at Invitae indicates that this missense variant is not expected to disrupt CLCN1 protein function. ClinVar contains an entry for this variant (Variation ID: 531745). This variant has not been reported in the literature in individuals affected with CLCN1-related conditions. This variant is not present in population databases (gnomAD no frequency). This sequence change replaces aspartic acid, which is acidic and polar, with glycine, which is neutral and non-polar, at codon 89 of the CLCN1 protein (p.Asp89Gly).

NM_000083.3(CLCN1):c.266A>G (p.Asp89Gly)

Gene: CLCN1 (chloride voltage-gated channel 1; plus strand). Cytogenetic location: 7q34.
Variant type: single nucleotide variant.
Coding change: c.266A>G on transcript NM_000083.3 (MANE Select); coding-DNA position 266, A replaced by G.
Protein change: p.Asp89Gly; replaces aspartic acid 89 with glycine.
Molecular consequence: missense variant. On other transcripts: non-coding transcript variant (1).
Genome position (GRCh38, 1-based): chr7:143,319,840, A>G. VCF-style: chr7-143319840-A-G. GRCh37 (hg19) VCF-style: chr7-143016933-A-G.
Other names: short protein forms D89G.
Identifiers: ClinVar variation 531745 (VCV000531745.8), dbSNP rs948634525, ClinGen allele CA168253208.
Genomic context (GRCh38, chr7:143,319,840, plus strand): 5'-TCTCAGACAGGGAGCAGGACATAGGGATGCCCAAGAAGACAGGCTCCAGTTCTACCGTGG[A>G]CAGCAAGGATGAGGATCACTATTCTAAATGTCAAGGTGATGGGGACTGAGGAATAAAGAA-3'
Protein context (NP_000074.3, residues 79-99): PKKTGSSSTV[Asp89Gly]SKDEDHYSKC